The following is an entry in ClinVar:

ClinVar aggregate classification (germline): Uncertain significance (1 of 4 stars; one submission).

Submission:

GeneDx
Classification: Uncertain significance. Last evaluated: 2024-05-14. Review status: criteria provided, single submitter. Criteria: GeneDx Variant Classification Process June 2021. Collection method: clinical testing. Allele origin: germline. Affected: yes.
Comment: Not observed at significant frequency in large population cohorts (gnomAD); In silico analysis supports that this missense variant has a deleterious effect on protein structure/function; Has not been previously published as pathogenic or benign to our knowledge

NM_001297595.2(SIN3B):c.505G>A (p.Val169Met)

Gene: SIN3B (SIN3 transcription regulator family member B; plus strand). Cytogenetic location: 19p13.11.
Variant type: single nucleotide variant.
Coding change: c.505G>A on transcript NM_001297595.2 (MANE Select); coding-DNA position 505, G replaced by A.
Protein change: p.Val169Met; replaces valine 169 with methionine.
Molecular consequence: missense variant.
Genome position (GRCh38, 1-based): chr19:16,841,891, G>A. VCF-style: chr19-16841891-G-A. GRCh37 (hg19) VCF-style: chr19-16952702-G-A.
Other names: c.505G>A, p.Val169Met (NM_015260.4); short protein forms V169M.
Identifiers: ClinVar variation 3377886 (VCV003377886.1).